The following is an entry in ClinVar:

NM_006648.4(WNK2):c.5444G>C (p.Arg1815Pro)

Gene: WNK2 (WNK lysine deficient protein kinase 2; plus strand). Cytogenetic location: 9q22.31.
Variant type: single nucleotide variant.
Coding change: c.5444G>C on transcript NM_006648.4 (MANE Select); coding-DNA position 5444, G replaced by C.
Protein change: p.Arg1815Pro; replaces arginine 1815 with proline.
Molecular consequence: missense variant.
Genome position (GRCh38, 1-based): chr9:93,292,909, G>C. VCF-style: chr9-93292909-G-C. GRCh37 (hg19) VCF-style: chr9-96055191-G-C.
Other names: c.5555G>C, p.Arg1852Pro (NM_001282394.3); short protein forms R1815P, R1852P.
Identifiers: ClinVar variation 3470581 (VCV003470581.1).

ClinVar aggregate classification (germline): Uncertain significance (1 of 4 stars; one submission).

gnomAD v4.1: 5 of 1,521,998 alleles (0.00033%); highest among the groups gnomAD compares: Non-Finnish European, 0.00044%; no homozygotes.

Submission:

Ambry Genetics
Classification: Uncertain significance. Last evaluated: 2024-12-04. Review status: criteria provided, single submitter. Criteria: Ambry Variant Classification Scheme 2023. Collection method: clinical testing. Allele origin: germline.
Comment: The p.R1815P variant (also known as c.5444G>C), located in coding exon 22 of the WNK2 gene, results from a G to C substitution at nucleotide position 5444. The arginine at codon 1815 is replaced by proline, an amino acid with dissimilar properties. This amino acid position is conserved. In addition, this alteration is predicted to be tolerated by in silico analysis. Based on the available evidence, the clinical significance of this variant remains unclear.